The following is an entry in ClinVar:

NM_000182.5(HADHA):c.1528G>C (p.Glu510Gln)

Genes: GAREM2 (GRB2 associated regulator of MAPK1 subtype 2; plus strand), HADHA (hydroxyacyl-CoA dehydrogenase trifunctional multienzyme complex subunit alpha; minus strand). Cytogenetic location: 2p23.3.
Variant type: single nucleotide variant.
Coding change: c.1528G>C on transcript NM_000182.5 (MANE Select); coding-DNA position 1528, G replaced by C.
Protein change: p.Glu510Gln; replaces glutamic acid 510 with glutamine.
Molecular consequence: missense variant.
Genome position (GRCh38, 1-based): chr2:26,195,184, C>G on the plus strand (G>C on the coding strand, the complement: HADHA is on the minus strand). VCF-style: chr2-26195184-C-G. GRCh37 (hg19) VCF-style: chr2-26418053-C-G.
Other names: p.E510Q:GAG>CAG; short protein forms E510Q.
Identifiers: ClinVar variation 100085 (VCV000100085.113), dbSNP rs137852769, ClinGen allele CA119870.

ClinVar aggregate classification (germline): Pathogenic/Likely pathogenic. Review status: criteria provided, multiple submitters, no conflicts (2 of 4 stars). 34 submissions from 33 submitters: Pathogenic (30); Likely pathogenic (2). 2 of the submissions do not count toward it. Last evaluated 2026-09-14.

Conditions:
Mitochondrial trifunctional protein deficiency. Identifiers: Orphanet 746, MedGen C1969443, MONDO:0012172.
Long chain 3-hydroxyacyl-CoA dehydrogenase deficiency. Also called: Deficiency of long-chain 3-hydroxyacyl-coenzyme A dehydrogenase; LCHAD Deficiency. Identifiers: Orphanet 5, MedGen C3711645, MONDO:0012173, OMIM 609016.
Mitochondrial trifunctional protein deficiency 1 (MTPD1). Identifiers: MedGen CN376812, MONDO:0958181, OMIM 609015.
Inborn genetic diseases. Identifiers: MedGen C0950123, MeSH D030342.
HADHA-related disorder. Also called: HADHA-related disorders; HADHA-related condition.
Metabolic disease. Also called: metabolic disorder; Metabolic disorders, general. Identifiers: MedGen C0025517, MONDO:0005066.
LCHAD deficiency with maternal acute fatty liver of pregnancy. Identifiers: MedGen C1833202.

Allele frequency attached by ClinVar (database versions not stated): 1000 Genomes Project 30x 0.00016; gnomAD exomes 0.00123 and 0.00139; 1000 Genomes Project 0.00020; gnomAD 0.00182; TOPMed 0.00071; ExAC 0.00120.
gnomAD v4.1: 2,162 of 1,612,330 alleles (0.13%); highest among the groups gnomAD compares: Non-Finnish European, 0.15%; no homozygotes.

Submissions 1 to 9 of 34:

PreventionGenetics, part of Exact Sciences
Classification: Pathogenic for HADHA-related condition. Last evaluated: 2026-09-14. Review status: criteria provided, single submitter. Criteria: ACMG Guidelines, 2015. Collection method: clinical testing. Allele origin: germline.
Comment: The HADHA c.1528G>C variant is predicted to result in the amino acid substitution p.Glu510Gln. This variant has been reported as a recurrent cause of autosomal recessive long-chain 3-hydroxyacyl-CoA dehydrogenase deficiency/mitochondrial trifunctional protein deficiency (Boutron et al. 2011. PubMed ID: 21549624; Karall et al. 2015. PubMed ID: 25888220; Boese et al. 2016. PubMed ID: 27491397). It has been interpreted as pathogenic by multiple independent submitters to the ClinVar database (Variation ID: 100085). This variant is reported in 0.39% of alleles in individuals of European (Finnish) descent in gnomAD. Taken together, this variant is interpreted as pathogenic.

CeGaT Center for Human Genetics Tuebingen
Classification: Pathogenic. Last evaluated: 2026-06-01. Review status: criteria provided, single submitter. Criteria: CeGaT Center For Human Genetics Tuebingen Variant Classification Criteria Version 2. Collection method: clinical testing. Allele origin: germline. Affected: yes. Observed: 9 variant alleles.
Comment: HADHA: PM3:Very Strong, PM2:Supporting, PP3, PS3:Supporting

Labcorp Genetics (formerly Invitae), Labcorp
Classification: Pathogenic for Mitochondrial trifunctional protein deficiency; Long chain 3-hydroxyacyl-CoA dehydrogenase deficiency. Last evaluated: 2026-02-01. Review status: criteria provided, single submitter. Criteria: Invitae Variant Classification Sherloc (09022015). Collection method: clinical testing. Allele origin: germline.
Comment: This sequence change replaces glutamic acid, which is acidic and polar, with glutamine, which is neutral and polar, at codon 510 of the HADHA protein (p.Glu510Gln). This variant is present in population databases (rs137852769, gnomAD 0.4%), and has an allele count higher than expected for a pathogenic variant. This missense change has been observed in individuals with long-chain 3-hydroxyacyl-CoA dehydrogenase (LCHAD) deficiency, or mitochondrial trifunctional protein deficiency (PMID: 7811722, 8739956, 11773547, 14630990, 15902556, 18408953, 19852779, 20583174, 21103935, 21549624, 23868323, 25888220, 26109258, 26653362, 27491397). This variant is also known as p.Glu474Gln or p.E474Q. ClinVar contains an entry for this variant (Variation ID: 100085). Invitae Evidence Modeling of protein sequence and biophysical properties (such as structural, functional, and spatial information, amino acid conservation, physicochemical variation, residue mobility, and thermodynamic stability) indicates that this missense variant is expected to disrupt HADHA protein function with a positive predictive value of 80%. Experimental studies have shown that this missense change affects HADHA function (PMID: 8770876, 14630990, 15902556). For these reasons, this variant has been classified as Pathogenic.

Dasa
Classification: Pathogenic. Last evaluated: 2025-11-10. Review status: criteria provided, single submitter. Criteria: DASA Assertion Criteria. Collection method: clinical testing. Allele origin: germline.
Comment: NM_000182.5(HADHA):c.1528G>C (p.Glu510Gln) is a missense variant that results in the substitution of glutamic acid with glutamine. This variant has been observed in affected individuals with related phenotype in a genotype context consistent with recessive disease (PMID: 8770876; PMID: 14630990; PMID: 7811722; PMID: 8739956; PMID: 11773547). Functional evidence supports a deleterious effect on the gene or gene product (PMID: 8770876; PMID: 14630990; PMID: 7811722; PMID: 8739956; PMID: 11773547). This variant has been recurrently observed in individuals with related phenotype (PMID: 8770876; PMID: 14630990; PMID: 7811722; PMID: 8739956; PMID: 11773547). Multiple computational predictions support a deleterious effect on the gene or gene product. The variant is present at low frequency in population datasets. Based on the available data, this variant is classified as pathogenic.

3billion
Classification: Likely pathogenic for Long chain 3-hydroxyacyl-CoA dehydrogenase deficiency. Last evaluated: 2025-11-05. Review status: criteria provided, single submitter. Criteria: ACMG Guidelines, 2015. Collection method: clinical testing. Allele origin: germline. Affected: yes.
Comment: The variant is observed at an extremely low frequency in the gnomAD v4.1.0 dataset (total allele frequency: 0.134%). Predicted Consequence/Location: Missense variant. The majority of the known disease-causing variants of this gene are variants expected to result in premature termination of the protein. In silico tool predictions suggest damaging effect of the variant on gene or gene product [REVEL: 0.93 (>=0.6, sensitivity 0.68 and specificity 0.92); 3Cnet: 0.98 (> 0.75, sensitivity 0.96 and precision 0.92)]. The same nucleotide change resulting in the same amino acid change has been previously reported as pathogenic/likely pathogenic with strong evidence (ClinVar ID: VCV000100085 /PMID: 7811722 /3billion dataset). Therefore, this variant is classified as Likely pathogenic according to the recommendation of ACMG/AMP guideline.

GeneDx
Classification: Pathogenic. Last evaluated: 2025-10-04. Review status: criteria provided, single submitter. Criteria: GeneDx Variant Classification Process June 2021. Collection method: clinical testing. Allele origin: germline. Affected: yes.
Comment: Functional studies found E510Q is associated with no detectable LCHAD enzyme activity (PMID: 8770876); In silico analysis supports that this missense variant has a deleterious effect on protein structure/function; This variant is associated with the following publications: (PMID: 19852779, 15902556, 25888220, 27117294, 28798025, 30029694, 39686973, 36893607, 34479707, 20583174, 25087612, 7846063, 10518281, 26109258, 7811722, 26024122, 27491397, 23868323, 26653362, 26676313, 28245050, 29095929, 28559085, 27334895, 31025818, 31479012, 31980526, 32827528, 34426522, 31589614, 33107778, 33204595, 35460704, 37443404, 37734845, 37549033, 32778825, 33726816, 21549624, 8770876, 35677112, 35383965, 35753512, 35782617, 35199468, 32253025, 34448047, 34732400, 38379183, 38501492, 39472908, 38535124, 38532509)

Natera, Inc.
Classification: Pathogenic for Deficiency of long-chain 3-hydroxyacyl-coenzyme A dehydrogenase. Last evaluated: 2025-09-12. Review status: criteria provided, single submitter. Criteria: Natera Variant Classification Schema (03/2026). Collection method: clinical testing. Allele origin: germline.
Comment: The c.1528G>C variant in HADHA is a missense variant predicted to cause substitution of glutamic acid to glutamine at amino acid 510. This variant is rare in the general population with a frequency below the threshold expected for the associated phenotype(s). This variant has been observed in one or more individuals affected with the associated recessive disease, as either homozygous or compound heterozygous with a second variant (PMID: 16040264, 34448047). Additionally, this variant has been observed to segregate in affected family members (PMID: 16040264). Computational prediction algorithms indicate this variant is likely to affect gene or protein function. Given the available evidence, this variant is classified as Pathogenic.

Mayo Clinic Laboratories, Mayo Clinic
Classification: Pathogenic. Last evaluated: 2025-09-08. Review status: criteria provided, single submitter. Criteria: ACMG Guidelines, 2015. Collection method: clinical testing. Allele origin: germline. Observed: 7 variant alleles.
Comment: PP3, PS3, PS4

Revvity Omics, Revvity
Classification: Pathogenic. Last evaluated: 2025-04-23. Review status: criteria provided, single submitter. Criteria: ACMG Guidelines, 2015. Collection method: clinical testing. Allele origin: germline.